The following is an entry in ClinVar:

ClinVar aggregate classification (germline): Likely pathogenic (1 of 4 stars; one submission).

Submission:

GeneDx
Classification: Likely pathogenic. Last evaluated: 2016-07-27. Review status: criteria provided, single submitter. Criteria: GeneDx Variant Classification (06012015). Collection method: clinical testing. Allele origin: germline. Affected: yes.
Comment: The L281I variant in the KCNT1 gene has not been reported previously as a pathogenic variant, nor as a benign variant, to our knowledge. The L281I variant was not observed in approximately 6,500 individuals of European and African American ancestry in the NHLBI Exome Sequencing Project, indicating it is not a common benign variant in these populations. The L281I variant is a conservative amino acid substitution, which occurs at a position that is conserved across species. In silico analysis is inconsistent in its predictions as to whether or not the variant is damaging to the protein structure/function. The L281I variant is a strong candidate for a pathogenic variant.

NM_020822.3(KCNT1):c.841C>A (p.Leu281Ile)

Gene: KCNT1 (potassium sodium-activated channel subfamily T member 1; plus strand). Cytogenetic location: 9q34.3.
Variant type: single nucleotide variant.
Coding change: c.841C>A on transcript NM_020822.3 (MANE Select); coding-DNA position 841, C replaced by A.
Protein change: p.Leu281Ile; replaces leucine 281 with isoleucine.
Molecular consequence: missense variant.
Genome position (GRCh38, 1-based): chr9:135,758,495, C>A. VCF-style: chr9-135758495-C-A. GRCh37 (hg19) VCF-style: chr9-138650341-C-A.
Other names: c.697C>A, p.Leu233Ile (NM_001272003.2); short protein forms L281I, L233I.
Identifiers: ClinVar variation 387824 (VCV000387824.2), dbSNP rs1057522914, ClinGen allele CA16605720.